The following is an entry in ClinVar:

NM_000136.3(FANCC):c.1243_1249dup (p.Glu417fs)

Genes: AOPEP (aminopeptidase O (putative); plus strand), FANCC (FA complementation group C; minus strand). Cytogenetic location: 9q22.32.
Variant type: Duplication.
Coding change: c.1243_1249dup on transcript NM_000136.3 (MANE Select); coding-DNA positions 1243 to 1249, 7 bases duplicated (GCAGCCG; older notation c.1243_1249dupGCAGCCG).
Protein change: p.Glu417fs; shifts the reading frame from glutamic acid 417.
Molecular consequence: frameshift variant.
Genome position (GRCh38, 1-based): chr9:95,111,543-95,111,549, CGGCTGC duplicated on the plus strand (GCAGCCG on the coding strand, the reverse complement: FANCC is on the minus strand); duplicating any 7 consecutive bases within chr9:95,111,543-95,111,551 gives the same sequence; the c. name uses the placement nearest the transcript's 3' end. VCF-style (leftmost placement, unchanged base first): chr9-95111542-T-TCGGCTGC. GRCh37 (hg19) VCF-style: chr9-97873824-T-TCGGCTGC.
Other names: c.1243_1249dup (NM_000136.2); c.1243_1249dup, p.Glu417fs (NM_001243743.2, NM_001243744.2); short protein forms E417fs.
Identifiers: ClinVar variation 4817544 (VCV004817544.1).

ClinVar aggregate classification (germline): Likely pathogenic (1 of 4 stars; one submission).

Conditions:
Fanconi anemia (FA). Also called: Fanconi's anemia. Identifiers: Orphanet 84, MedGen C0015625, MeSH D005199, MONDO:0019391.

Submission:

Natera, Inc.
Classification: Likely pathogenic for Fanconi anemia. Last evaluated: 2025-07-02. Review status: criteria provided, single submitter. Criteria: Natera Variant Classification Schema (03/2026). Collection method: clinical testing. Allele origin: germline.
Comment: The c.1243_1249dup variant in FANCC is a frameshift variant predicted to shift the reading frame beginning at codon 417 and leads to a stop codon 20 codons downstream. This variant is expected to result in nonsense mediated decay, truncation, or a dysfunctional protein product. This variant is rare in the general population with a frequency below the threshold expected for the associated phenotype(s). Given the available evidence, this variant is classified as Likely Pathogenic.